The following is an entry in ClinVar:

ClinVar aggregate classification (germline): Benign/Likely benign. Review status: criteria provided, multiple submitters, no conflicts (2 of 4 stars). 6 submissions from 6 submitters: Benign (3); Likely benign (2). 1 of the submissions does not count toward it. Last evaluated 2026-01-27.

Conditions:
IL12RB1-related disorder. Also called: IL12RB1-related condition.
Mendelian susceptibility to mycobacterial diseases due to complete IL12RB1 deficiency. Also called: IL12RB1 DEFICIENCY; Immunodeficiency 30. Identifiers: Orphanet 319552, MedGen C4013949, MONDO:0013955, OMIM 614891.
Immunodeficiency 27A (IMD27A). Also called: IMMUNODEFICIENCY 27A, MYCOBACTERIOSIS, AUTOSOMAL RECESSIVE; IFNGR1 DEFICIENCY, AUTOSOMAL RECESSIVE. Identifiers: Orphanet 319569, Orphanet 99898, MedGen C4011949, MONDO:0008856, OMIM 209950.

Allele frequency attached by ClinVar (database versions not stated): 1000 Genomes Project 30x 0.00500; gnomAD 0.00537 and 0.00554; 1000 Genomes Project 0.00559; TOPMed 0.00571; gnomAD exomes 0.00648; ExAC 0.00679; ESP Exome Variant Server 0.00700.
gnomAD v4.1: 14,365 of 1,573,350 alleles (0.91%); highest among the groups gnomAD compares: South Asian, 1.3%; 114 homozygotes.

Submissions (6):

Labcorp Genetics (formerly Invitae), Labcorp
Classification: Benign for Mendelian susceptibility to mycobacterial diseases due to complete IL12RB1 deficiency. Last evaluated: 2026-01-27. Review status: criteria provided, single submitter. Criteria: Invitae Variant Classification Sherloc (09022015). Collection method: clinical testing. Allele origin: germline.

Illumina Laboratory Services, Illumina
Classification: Benign for Mendelian susceptibility to mycobacterial diseases due to complete IL12RB1 deficiency. Last evaluated: 2018-01-13. Review status: criteria provided, single submitter. Criteria: ICSL Variant Classification Criteria 13 December 2019. Collection method: clinical testing. Allele origin: germline.
Comment: This variant was observed in the ICSL laboratory as part of a predisposition screen in an ostensibly healthy population. It had not been previously curated by ICSL or reported in the Human Gene Mutation Database (HGMD: prior to June 1st, 2018), and was therefore a candidate for classification through an automated scoring system. Utilizing variant allele frequency, disease prevalence and penetrance estimates, and inheritance mode, an automated score was calculated to assess if this variant is too frequent to cause the disease. Based on the score and internal cut-off values, a variant classified as benign is not then subjected to further curation. The score for this variant resulted in a classification of benign for this disease.

Clinical Genetics DNA and cytogenetics Diagnostics Lab, Erasmus MC, Erasmus Medical Center
Classification: Benign for Immunodeficiency 27A. Last evaluated: 2017-06-28. Review status: criteria provided, single submitter. Criteria: ACGS Guidelines, 2013. Collection method: clinical testing. Allele origin: germline. Affected: yes. Study: VKGL Data-share Consensus.

Genome Diagnostics Laboratory, University Medical Center Utrecht
Classification: Likely benign for Immunodeficiency 27A. Last evaluated: 2015-12-09. Review status: criteria provided, single submitter. Criteria: ACGS Guidelines, 2013. Collection method: clinical testing. Allele origin: germline. Affected: yes. Study: VKGL Data-share Consensus.

Breakthrough Genomics
Classification: Likely benign. Review status: criteria provided, single submitter. Criteria: ACMG Guidelines, 2015. Collection method: not provided. Allele origin: germline. Inheritance: Autosomal recessive inheritance. Affected: yes.

PreventionGenetics, part of Exact Sciences
Classification: Likely benign for IL12RB1-related condition. Last evaluated: 2020-02-26. Review status: no assertion criteria provided. Collection method: clinical testing. Allele origin: germline. Not counted in ClinVar's aggregate classification.
Comment: This variant is classified as likely benign based on ACMG/AMP sequence variant interpretation guidelines (Richards et al. 2015 PMID: 25741868, with internal and published modifications).

NM_005535.3(IL12RB1):c.783+10C>T

Gene: IL12RB1 (interleukin 12 receptor subunit beta 1; minus strand). Cytogenetic location: 19p13.11.
Variant type: single nucleotide variant.
Coding change: c.783+10C>T on transcript NM_005535.3 (MANE Select); 10 bases into the intron after coding-DNA position 783, C replaced by T.
Molecular consequence: intron variant.
Genome position (GRCh38, 1-based): chr19:18,073,507, G>A on the plus strand (C>T on the coding strand, the complement: IL12RB1 is on the minus strand). VCF-style: chr19-18073507-G-A. GRCh37 (hg19) VCF-style: chr19-18184317-G-A.
Other names: c.903+10C>T (NM_001290024.2, NM_001440427.1); c.783+10C>T (NM_001290023.2, NM_153701.3); c.804+10C>T (NM_001440425.1, NM_001440424.1); c.924+10C>T (NM_001440426.1).
Identifiers: ClinVar variation 328591 (VCV000328591.19), dbSNP rs79972275, ClinGen allele CA9305075.